The following is an entry in ClinVar:

NM_000059.4(BRCA2):c.2144G>A (p.Gly715Glu)

Gene: BRCA2 (BRCA2 DNA repair associated; plus strand). Cytogenetic location: 13q13.1.
Variant type: single nucleotide variant.
Coding change: c.2144G>A on transcript NM_000059.4 (MANE Select); coding-DNA position 2144, G replaced by A.
Protein change: p.Gly715Glu; replaces glycine 715 with glutamic acid.
Molecular consequence: missense variant.
Genome position (GRCh38, 1-based): chr13:32,336,499, G>A. VCF-style: chr13-32336499-G-A. GRCh37 (hg19) VCF-style: chr13-32910636-G-A.
Other names: short protein forms G715E.
Identifiers: ClinVar variation 630053 (VCV000630053.7), dbSNP rs1566226193, ClinGen allele CA387770147.

ClinVar aggregate classification (germline): Conflicting classifications of pathogenicity. Review status: criteria provided, conflicting classifications (1 of 4 stars). 3 submissions from 3 submitters: Uncertain significance (2); Likely benign (1). Last evaluated 2024-03-24.

Conditions:
BRCA2-related cancer predisposition. Identifiers: MedGen CN377758, MONDO:0700269.
Hereditary cancer-predisposing syndrome. Also called: Neoplastic Syndromes, Hereditary; Tumor predisposition; Hereditary neoplastic syndrome; Hereditary Cancer Syndrome. Identifiers: Orphanet 140162, MedGen C0027672, MeSH D009386, MONDO:0015356.

Submissions (3):

All of Us Research Program, National Institutes of Health
Classification: Uncertain significance for BRCA2-related cancer predisposition. Last evaluated: 2024-03-24. Review status: criteria provided, single submitter. Criteria: ACMG Guidelines, 2015. Collection method: clinical testing. Allele origin: germline. Inheritance: Autosomal dominant inheritance. Observed: 1 variant allele, 1 heterozygote.
Comment: This missense variant replaces glycine with glutamic acid at codon 715 of the BRCA2 protein. Computational prediction suggests that this variant may not impact protein structure and function. To our knowledge, functional studies have not been reported for this variant. This variant has been reported in a multifactorial analysis with a segregation likelihood ratio for pathogenicity of 1.7051 (PMID: 31131967). This variant has not been identified in the general population by the Genome Aggregation Database (gnomAD). The available evidence is insufficient to determine the role of this variant in disease conclusively. Therefore, this variant is classified as a Variant of Uncertain Significance.

This study involves interpretation of variants in research participants for the purpose of population health screening. Participant phenotype was not available at the time of variant classification. Additional details can be found in publication PMID: 35346344, PMCID: PMC8962531

Color Diagnostics, LLC DBA Color Health
Classification: Uncertain significance for Hereditary cancer-predisposing syndrome. Last evaluated: 2024-02-15. Review status: criteria provided, single submitter. Criteria: ACMG Guidelines, 2015. Collection method: clinical testing. Allele origin: germline.
Comment: This missense variant replaces glycine with glutamic acid at codon 715 of the BRCA2 protein. Computational prediction suggests that this variant may not impact protein structure and function. To our knowledge, functional studies have not been reported for this variant. This variant has been reported in a multifactorial analysis with a segregation likelihood ratio for pathogenicity of 1.7051 (PMID: 31131967). This variant has not been identified in the general population by the Genome Aggregation Database (gnomAD). The available evidence is insufficient to determine the role of this variant in disease conclusively. Therefore, this variant is classified as a Variant of Uncertain Significance.

University of Washington Department of Laboratory Medicine, University of Washington
Classification: Likely benign for Hereditary cancer-predisposing syndrome. Last evaluated: 2023-03-23. Review status: criteria provided, single submitter. Criteria: Dines et al. (Genet Med. 2020). Collection method: curation. Allele origin: germline.
Comment: Missense variant in a coldspot region where missense variants are very unlikely to be pathogenic (PMID:31911673).

BRCA2 exon 11 coldspot. Reclassification based on statistical prior probability.

Literature cited by the submitters: PubMed 31131967 (cited by All of Us Research Program, National Institutes of Health and Color Diagnostics, LLC DBA Color Health).